The following is an entry in ClinVar:

NM_004357.5(CD151):c.164G>A (p.Gly55Asp)

Gene: CD151 (CD151 molecule (Raph blood group); plus strand). Cytogenetic location: 11p15.5.
Variant type: single nucleotide variant.
Coding change: c.164G>A on transcript NM_004357.5 (MANE Select); coding-DNA position 164, G replaced by A.
Protein change: p.Gly55Asp; replaces glycine 55 with aspartic acid.
Molecular consequence: missense variant.
Genome position (GRCh38, 1-based): chr11:836,330, G>A. VCF-style: chr11-836330-G-A. GRCh37 (hg19) VCF-style: chr11-836330-G-A.
Other names: c.164G>A, p.Gly55Asp (NM_001039490.2, NM_139029.2, NM_139030.4); c.164G>A (NM_004357.4); short protein forms G55D.
Identifiers: ClinVar variation 1944435 (VCV001944435.7), dbSNP rs769690275, ClinGen allele CA5792081.

ClinVar aggregate classification (germline): Uncertain significance. Review status: criteria provided, multiple submitters, no conflicts (2 of 4 stars). 3 submissions from 3 submitters: Uncertain significance (3). Last evaluated 2025-02-22.

Conditions:
Inborn genetic diseases. Identifiers: MedGen C0950123, MeSH D030342.
Epidermolysis bullosa simplex 7, with nephropathy and deafness. Also called: Nephrotic syndrome - deafness - pretibial epidermolysis bullosa syndrome; Nephropathy with Pretibial Epidermolysis Bullosa and Deafness. Identifiers: Orphanet 300333, MedGen C1836823, MONDO:0012190, OMIM 609057.
RAPH BLOOD GROUP SYSTEM. Also called: MER2 BLOOD CELL ANTIGEN EXPRESSION. Identifiers: MedGen C1867341, OMIM 179620.

Allele frequency attached by ClinVar (database versions not stated): TOPMed below 0.00001; gnomAD exomes 0.00001; ExAC 0.00002.
gnomAD v4.1: 6 of 1,612,726 alleles (0.00037%); highest among the groups gnomAD compares: Admixed American, 0.0083%; no homozygotes.

Submissions (3):

Ambry Genetics
Classification: Uncertain significance for Inborn genetic diseases. Last evaluated: 2025-02-22. Review status: criteria provided, single submitter. Criteria: Ambry Variant Classification Scheme 2023. Collection method: clinical testing. Allele origin: germline.

Fulgent Genetics
Classification: Uncertain significance for RAPH BLOOD GROUP SYSTEM; Epidermolysis bullosa simplex 7, with nephropathy and deafness. Last evaluated: 2024-05-15. Review status: criteria provided, single submitter. Criteria: ACMG Guidelines, 2015. Collection method: clinical testing. Allele origin: germline.

Labcorp Genetics (formerly Invitae), Labcorp
Classification: Uncertain significance. Last evaluated: 2024-05-15. Review status: criteria provided, single submitter. Criteria: Invitae Variant Classification Sherloc (09022015). Collection method: clinical testing. Allele origin: germline.
Comment: This sequence change replaces glycine, which is neutral and non-polar, with aspartic acid, which is acidic and polar, at codon 55 of the CD151 protein (p.Gly55Asp). This variant is present in population databases (rs769690275, gnomAD 0.01%). This variant has not been reported in the literature in individuals affected with CD151-related conditions. ClinVar contains an entry for this variant (Variation ID: 1944435). An algorithm developed to predict the effect of missense changes on protein structure and function (PolyPhen-2) suggests that this variant is likely to be tolerated. In summary, the available evidence is currently insufficient to determine the role of this variant in disease. Therefore, it has been classified as a Variant of Uncertain Significance.